The following is an entry in ClinVar:

ClinVar aggregate classification (germline): Likely benign. Review status: criteria provided, multiple submitters, no conflicts (2 of 4 stars). 5 submissions from 4 submitters: Likely benign (5). Last evaluated 2025-11-19.

Conditions:
Adams-Oliver syndrome 5 (AOS5). Identifiers: Orphanet 974, MedGen C4014970, MONDO:0014459, OMIM 616028.
Aortic valve disease 1 (AOVD1). Identifiers: MedGen C3887892, MONDO:0024523, OMIM 109730.

Allele frequency attached by ClinVar (database versions not stated): gnomAD exomes 0.00005 and 0.00021; TOPMed 0.00007; gnomAD 0.00009.
gnomAD v4.1: 292 of 1,496,310 alleles (0.02%); highest among the groups gnomAD compares: Non-Finnish European, 0.025%; no homozygotes.

Submissions (5):

Labcorp Genetics (formerly Invitae), Labcorp
Classification: Likely benign for Adams-Oliver syndrome 5. Last evaluated: 2025-11-19. Review status: criteria provided, single submitter. Criteria: Invitae Variant Classification Sherloc (09022015). Collection method: clinical testing. Allele origin: germline.

Blueprint Genetics
Classification: Likely benign. Last evaluated: 2024-11-04. Review status: criteria provided, single submitter. Criteria: ACMG Guidelines, 2015. Collection method: clinical testing. Allele origin: germline.

Genome-Nilou Lab
Classification: Likely benign for Adams-Oliver syndrome 5. Last evaluated: 2022-03-15. Review status: criteria provided, single submitter. Criteria: ACMG Guidelines, 2015. Collection method: clinical testing. Allele origin: germline. Affected: no.

Genome-Nilou Lab
Classification: Likely benign for Aortic valve disease 1. Last evaluated: 2022-03-15. Review status: criteria provided, single submitter. Criteria: ACMG Guidelines, 2015. Collection method: clinical testing. Allele origin: germline. Affected: no.

GeneDx
Classification: Likely benign. Last evaluated: 2017-06-15. Review status: criteria provided, single submitter. Criteria: GeneDx Variant Classification (06012015). Collection method: clinical testing. Allele origin: germline. Affected: yes.
Comment: This variant is considered likely benign or benign based on one or more of the following criteria: it is a conservative change, it occurs at a poorly conserved position in the protein, it is predicted to be benign by multiple in silico algorithms, and/or has population frequency not consistent with disease.

NM_017617.5(NOTCH1):c.5018+14G>A

Gene: NOTCH1 (notch receptor 1; minus strand). Cytogenetic location: 9q34.3.
Variant type: single nucleotide variant.
Coding change: c.5018+14G>A on transcript NM_017617.5 (MANE Select); 14 bases into the intron after coding-DNA position 5018, G replaced by A.
Molecular consequence: intron variant.
Genome position (GRCh38, 1-based): chr9:136,504,659, C>T on the plus strand (G>A on the coding strand, the complement: NOTCH1 is on the minus strand). VCF-style: chr9-136504659-C-T. GRCh37 (hg19) VCF-style: chr9-139399111-C-T.
Other names: c.5018+14G>A (LRG_1122t1).
Identifiers: ClinVar variation 390149 (VCV000390149.12), dbSNP rs936227030, ClinGen allele CA16605643.